The following is an entry in ClinVar:

ClinVar aggregate classification (germline): Uncertain significance. Review status: criteria provided, multiple submitters, no conflicts (2 of 4 stars). 2 submissions from 2 submitters: Uncertain significance (2). Last evaluated 2023-04-07.

Conditions:
Hypertrophic cardiomyopathy. Also called: HYPERTROPHIC MYOCARDIOPATHY. Identifiers: Orphanet 217569, MedGen C0007194, MeSH D002312, MONDO:0005045, HP:0001639.

Allele frequency attached by ClinVar (database versions not stated): gnomAD exomes below 0.00001.
gnomAD v4.1: 1 of 1,613,132 alleles (0.000062%); highest among the groups gnomAD compares: East Asian, 0.0022%; no homozygotes.

Submissions (2):

Labcorp Genetics (formerly Invitae), Labcorp
Classification: Uncertain significance for Hypertrophic cardiomyopathy. Last evaluated: 2023-04-07. Review status: criteria provided, single submitter. Criteria: Invitae Variant Classification Sherloc (09022015). Collection method: clinical testing. Allele origin: germline.
Comment: This variant is not present in population databases (gnomAD no frequency). This sequence change replaces isoleucine, which is neutral and non-polar, with valine, which is neutral and non-polar, at codon 4 of the TPM1 protein (p.Ile4Val). This variant has not been reported in the literature in individuals affected with TPM1-related conditions. In summary, the available evidence is currently insufficient to determine the role of this variant in disease. Therefore, it has been classified as a Variant of Uncertain Significance. An algorithm developed to predict the effect of missense changes on protein structure and function (PolyPhen-2) suggests that this variant is likely to be disruptive. ClinVar contains an entry for this variant (Variation ID: 181675).

GeneDx
Classification: Uncertain significance. Last evaluated: 2012-07-31. Review status: criteria provided, single submitter. Criteria: GeneDx Variant Classification (06012015). Collection method: clinical testing. Allele origin: germline. Affected: yes.
Comment: The Ile4Val variant in the TPM1 gene has not been reported as a disease-causing mutation or as a benign polymorphism to our knowledge. Ile4Val results in a conservative substitution of one non-polar amino acid for another at a position that is conserved across species. In silico analysis predicts Ile4Val likely has a benign effect on the protein structure/function. However, the NHLBI ESP Exome Variant Server reports Ile4Val was not observed in approximately 5,000 samples from individuals of European and African American backgrounds, indicating it is not a common benign variant in these populations. In summary, the clinical significance of the Ile4Val variant in the TPM1 gene is currently unknown. The variant is found in HCM panel(s).

NM_001018005.2(TPM1):c.10A>G (p.Ile4Val)

Gene: TPM1 (tropomyosin 1; plus strand). Cytogenetic location: 15q22.2.
Variant type: single nucleotide variant.
Coding change: c.10A>G on transcript NM_001018005.2 (MANE Select); coding-DNA position 10, A replaced by G.
Protein change: p.Ile4Val; replaces isoleucine 4 with valine.
Molecular consequence: missense variant.
Genome position (GRCh38, 1-based): chr15:63,042,839, A>G. VCF-style: chr15-63042839-A-G. GRCh37 (hg19) VCF-style: chr15-63335038-A-G.
Other names: p.I4V:ATC>GTC; c.10A>G, p.Ile4Val (NM_000366.6, NM_001018004.2, NM_001018006.2 and 7 more transcripts); short protein forms I4V.
Identifiers: ClinVar variation 181675 (VCV000181675.5), dbSNP rs730881148, ClinGen allele CA018581.